The following is an entry in ClinVar:

NM_002185.5(IL7R):c.76C>T (p.Gln26Ter)

Gene: IL7R (interleukin 7 receptor; plus strand). Cytogenetic location: 5p13.2.
Variant type: single nucleotide variant.
Coding change: c.76C>T on transcript NM_002185.5 (MANE Select); coding-DNA position 76, C replaced by T.
Protein change: p.Gln26Ter; replaces glutamine 26 with a stop codon.
Molecular consequence: nonsense. On other transcripts: non-coding transcript variant (1).
Genome position (GRCh38, 1-based): chr5:35,857,053, C>T. VCF-style: chr5-35857053-C-T. GRCh37 (hg19) VCF-style: chr5-35857155-C-T.
Other names: c.76C>T, p.Gln26Ter (NM_001410734.1); short protein forms Q26*.
Identifiers: ClinVar variation 2734712 (VCV002734712.3), dbSNP rs202007062, ClinGen allele CA3231823.
Genomic context (GRCh38, chr5:35,857,053, plus strand): 5'-ACAACTTTTGGCATGGTTTTTTCTTTACTTCAAGTCGTTTCTGGAGAAAGTGGCTATGCT[C>T]AAAATGGTGAGTCATTTCTAAGTTTTCTTATGGATTTTGGATTATCTGTAGCATGGTTTC-3'

ClinVar aggregate classification (germline): Pathogenic (1 of 4 stars; one submission).

Conditions:
Immunodeficiency 104. Also called: Severe combined immunodeficiency, autosomal recessive, T cell-negative, B cell-positive, NK cell-positive; IMMUNODEFICIENCY 104, SEVERE COMBINED; SCID, AUTOSOMAL RECESSIVE, T CELL-NEGATIVE, B CELL-POSITIVE, NK CELL-POSITIVE; Severe Combined Immune Deficiency, Autosomal Recessive, TCell -Negative, B Cell-Positive, NK Cell-Positive, IL7R-Related. Identifiers: MedGen C5676890, MONDO:0012163, OMIM 608971.

Allele frequency attached by ClinVar (database versions not stated): ExAC 0.00001; gnomAD 0.00001; TOPMed 0.00001; gnomAD exomes 0.00002.
gnomAD v4.1: 31 of 1,590,910 alleles (0.0019%); highest among the groups gnomAD compares: Non-Finnish European, 0.0025%; no homozygotes.

Submission:

Labcorp Genetics (formerly Invitae), Labcorp
Classification: Pathogenic for Immunodeficiency 104. Last evaluated: 2025-12-30. Review status: criteria provided, single submitter. Criteria: Invitae Variant Classification Sherloc (09022015). Collection method: clinical testing. Allele origin: germline.
Comment: This sequence change creates a premature translational stop signal (p.Gln26*) in the IL7R gene. It is expected to result in an absent or disrupted protein product. Loss-of-function variants in IL7R are known to be pathogenic (PMID: 21664875, 26123418). The frequency data for this variant in the population databases is considered unreliable, as metrics indicate poor data quality at this position in the gnomAD database. This premature translational stop signal has been observed in individual(s) with IL7R-alpha deficiency (PMID: 27807805). ClinVar contains an entry for this variant (Variation ID: 2734712). Algorithms developed to predict the effect of sequence changes on RNA splicing suggest that this variant may disrupt the consensus splice site. For these reasons, this variant has been classified as Pathogenic.

Literature cited by the submitters: PubMed 21664875; PubMed 26123418; PubMed 27807805.